The following is an entry in ClinVar:

NM_004523.4(KIF11):c.587_590del (p.Ile196fs)

Gene: KIF11 (kinesin family member 11; plus strand). Cytogenetic location: 10q23.33.
Variant type: Deletion.
Coding change: c.587_590del on transcript NM_004523.4 (MANE Select); coding-DNA positions 587 to 590, 4 bases deleted (TTAA; older notation c.587_590delTTAA).
Protein change: p.Ile196fs; shifts the reading frame from isoleucine 196.
Molecular consequence: frameshift variant.
Genome position (GRCh38, 1-based): chr10:92,609,398-92,609,401, TTAA deleted; deleting any 4 consecutive bases within chr10:92,609,395-92,609,401 gives the same sequence; the c. name uses the placement nearest the transcript's 3' end. VCF-style (leftmost placement, unchanged base first): chr10-92609394-ATAAT-A. GRCh37 (hg19) VCF-style: chr10-94369151-ATAAT-A.
Other names: short protein forms I196fs.
Identifiers: ClinVar variation 977912 (VCV000977912.2), dbSNP rs2492482275, ClinGen allele CA1139661631.

ClinVar aggregate classification (germline): Pathogenic. Review status: criteria provided, single submitter (1 of 4 stars). 2 submissions from 2 submitters: Pathogenic (1). 1 of the submissions does not count toward it. Last evaluated 2025-12-17.

Conditions:
Microcephaly with or without chorioretinopathy, lymphedema, or impaired intellectual development. Also called: MICROCEPHALY AND CHORIORETINOPATHY WITH OR WITHOUT MENTAL RETARDATION, AUTOSOMAL DOMINANT; MICROCEPHALY, LYMPHEDEMA, CHORIORETINAL DYSPLASIA SYNDROME; Microcephaly lymphedema chorioretinal dysplasia; Microcephaly with or without chorioretinopathy, lymphedema, or mental retardation; Microcephaly with or without chorioretinopathy, lymphedema, or intellectual disability. Identifiers: Orphanet 2526, MedGen C1835265, MONDO:0007918, OMIM 152950.

Submissions (2):

3billion
Classification: Pathogenic for Microcephaly with or without chorioretinopathy, lymphedema, or impaired intellectual development. Last evaluated: 2025-12-17. Review status: criteria provided, single submitter. Criteria: ACMG Guidelines, 2015. Collection method: clinical testing. Allele origin: germline. Affected: yes.
Comment: The variant is not observed in the gnomAD v4.1.0 dataset. Predicted Consequence/Location: Frameshift: predicted to result in a loss or disruption of normal protein function through nonsense-mediated decay (NMD) or protein truncation. Multiple pathogenic variants are reported downstream of the variant. The variant has been reported to be associated with KIF11-related disorder (ClinVar ID: VCV000977912). Therefore, this variant is classified as Pathogenic according to the recommendation of ACMG/AMP guideline.

Service de Génétique Moléculaire, Hôpital Robert Debré
Classification: Likely pathogenic for Microcephaly with or without chorioretinopathy, lymphedema, or impaired intellectual development. Review status: no assertion criteria provided. Collection method: clinical testing. Allele origin: unknown. Affected: yes. Not counted in ClinVar's aggregate classification.